The following is an entry in ClinVar:

ClinVar aggregate classification (germline): Pathogenic (1 of 4 stars; one submission).

gnomAD v4.1: 2 of 1,614,120 alleles (0.00012%); highest among the groups gnomAD compares: Non-Finnish European, 0.00017%; no homozygotes.

Submission:

Athena Diagnostics
Classification: Pathogenic. Last evaluated: 2024-06-11. Review status: criteria provided, single submitter. Criteria: Athena Diagnostics Criteria. Collection method: clinical testing. Allele origin: unknown.
Comment: This variant is expected to result in the loss of a functional protein. The frequency of this variant in the general population is consistent with pathogenicity. This variant has been identified in at least one individual tested at Athena Diagnostics with clinical features associated with this gene.

NM_182961.4(SYNE1):c.21694C>T (p.Gln7232Ter)

Gene: SYNE1 (spectrin repeat containing nuclear envelope protein 1; minus strand). Cytogenetic location: 6q25.2.
Variant type: single nucleotide variant.
Coding change: c.21694C>T on transcript NM_182961.4 (MANE Select); coding-DNA position 21694, C replaced by T.
Protein change: p.Gln7232Ter; replaces glutamine 7232 with a stop codon.
Molecular consequence: nonsense.
Genome position (GRCh38, 1-based): chr6:152,221,009, G>A on the plus strand (C>T on the coding strand, the complement: SYNE1 is on the minus strand). VCF-style: chr6-152221009-G-A. GRCh37 (hg19) VCF-style: chr6-152542144-G-A.
Other names: c.21481C>T, p.Gln7161Ter (NM_033071.5); short protein forms Q7161*, Q7232*.
Identifiers: ClinVar variation 3571496 (VCV003571496.1).